The following is an entry in ClinVar:

NM_012140.5(SLC25A10):c.*28G>A

Gene: SLC25A10 (solute carrier family 25 member 10; plus strand). Cytogenetic location: 17q25.3.
Variant type: single nucleotide variant.
Coding change: c.*28G>A on transcript NM_012140.5 (MANE Select); 28 bases downstream of the stop codon, G replaced by A.
Molecular consequence: 3 prime UTR variant. On other transcripts: missense variant (1).
Genome position (GRCh38, 1-based): chr17:81,720,105, G>A. VCF-style: chr17-81720105-G-A. GRCh37 (hg19) VCF-style: chr17-79687135-G-A.
Other names: c.*28G>A (NM_001270888.2); c.809G>A, p.Arg270Lys (NM_001270953.2); short protein forms R270K.
Identifiers: ClinVar variation 789234 (VCV000789234.31), dbSNP rs370778020, ClinGen allele CA8841963.
Genomic context (GRCh38, chr17:81,720,105, plus strand): 5'-CGCAAAAACTTTGGCATCAAAGTGCCATCCTGACCAGCCGTGGGAATGGCTGGGCTGCCA[G>A]GCCAGACACGCTAGGTTCTTCCAAAGAGTCCCAAGCCCAGCACCTGCTCCTGGGGCCACG-3'

ClinVar aggregate classification (germline): Likely benign. Review status: criteria provided, multiple submitters, no conflicts (2 of 4 stars). 3 submissions from 3 submitters: Likely benign (3). Last evaluated 2025-11-01.

Allele frequency attached by ClinVar (database versions not stated): TOPMed 0.00136; gnomAD 0.00137 and 0.00136; gnomAD exomes 0.00142; 1000 Genomes Project 30x 0.00078; 1000 Genomes Project 0.00080; ESP Exome Variant Server 0.00100; ExAC 0.00123.
gnomAD v4.1: 2,582 of 1,610,864 alleles (0.16%); highest among the groups gnomAD compares: Non-Finnish European, 0.18%; 2 homozygotes.

Submissions (3):

CeGaT Center for Human Genetics Tuebingen
Classification: Likely benign. Last evaluated: 2025-11-01. Review status: criteria provided, single submitter. Criteria: CeGaT Center For Human Genetics Tuebingen Variant Classification Criteria Version 2. Collection method: clinical testing. Allele origin: germline. Affected: yes. Observed: 5 variant alleles.
Comment: SLC25A10: BP4

Labcorp Genetics (formerly Invitae), Labcorp
Classification: Likely benign. Last evaluated: 2018-01-11. Review status: criteria provided, single submitter. Criteria: Invitae Variant Classification Sherloc (09022015). Collection method: clinical testing. Allele origin: germline.

Breakthrough Genomics
Classification: Likely benign. Review status: criteria provided, single submitter. Criteria: ACMG Guidelines, 2015. Collection method: not provided. Allele origin: germline. Inheritance: Autosomal recessive inheritance. Affected: yes.